The following is an entry in ClinVar:

NM_000535.7(PMS2):c.1747G>T (p.Glu583Ter)

Gene: PMS2 (PMS1 homolog 2, mismatch repair system component; minus strand). Cytogenetic location: 7p22.1.
Variant type: single nucleotide variant.
Coding change: c.1747G>T on transcript NM_000535.7 (MANE Select); coding-DNA position 1747, G replaced by T.
Protein change: p.Glu583Ter; replaces glutamic acid 583 with a stop codon.
Molecular consequence: nonsense. On other transcripts: non-coding transcript variant (1), intron variant (1).
Genome position (GRCh38, 1-based): chr7:5,987,018, C>A on the plus strand (G>T on the coding strand, the complement: PMS2 is on the minus strand). VCF-style: chr7-5987018-C-A. GRCh37 (hg19) VCF-style: chr7-6026649-C-A.
Other names: c.1342G>T, p.Glu448Ter (NM_001406888.1, NM_001406889.1, NM_001406890.1 and 16 more transcripts); c.1282G>T, p.Glu428Ter (NM_001406900.1); c.1273G>T, p.Glu425Ter (NM_001406901.1, NM_001406902.1); c.1429G>T, p.Glu477Ter (NM_001406903.1, NM_001322007.2, NM_001322008.2 and 2 more transcripts); c.1234G>T, p.Glu412Ter (NM_001406904.1, NM_001406905.1); c.1186G>T, p.Glu396Ter (NM_001406906.1, NM_001406907.1, NM_001322010.2); c.1174G>T, p.Glu392Ter (NM_001406909.1, NM_001322013.2); c.976G>T, p.Glu326Ter (NM_001406911.1); and 13 more; short protein forms E396*, E425*, E461*, E480*, E517*, E583*, E326*, E448*.
Identifiers: ClinVar variation 3890982 (VCV003890982.1).

ClinVar aggregate classification (germline): Pathogenic (1 of 4 stars; one submission).

Conditions:
Hereditary cancer-predisposing syndrome. Also called: Tumor predisposition; Neoplastic Syndromes, Hereditary; Hereditary Cancer Syndrome; Hereditary neoplastic syndrome. Identifiers: Orphanet 140162, MedGen C0027672, MeSH D009386, MONDO:0015356.

Submission:

Ambry Genetics
Classification: Pathogenic for Hereditary cancer-predisposing syndrome. Last evaluated: 2025-01-23. Review status: criteria provided, single submitter. Criteria: Ambry Variant Classification Scheme 2023. Collection method: clinical testing. Allele origin: germline.
Comment: The p.E583* pathogenic mutation (also known as c.1747G>T), located in coding exon 11 of the PMS2 gene, results from a G to T substitution at nucleotide position 1747. This changes the amino acid from a glutamic acid to a stop codon within coding exon 11. This variant has been identified in a proband whose Lynch syndrome-associated tumor demonstrated loss of PMS2 expression by immunohistochemistry (Wang Q et al. J Med Genet, 2020 Jul;57:487-499). This variant is considered to be rare based on population cohorts in the Genome Aggregation Database (gnomAD). In addition to the clinical data presented in the literature, this alteration is expected to result in loss of function by premature protein truncation or nonsense-mediated mRNA decay. As such, this alteration is interpreted as a disease-causing mutation.

Literature cited by the submitters: PubMed 31992580.